The following is an entry in ClinVar:

NM_018051.5(DYNC2I1):c.2284C>T (p.Arg762Ter)

Gene: DYNC2I1 (dynein 2 intermediate chain 1; plus strand). Cytogenetic location: 7q36.3.
Variant type: single nucleotide variant.
Coding change: c.2284C>T on transcript NM_018051.5 (MANE Select); coding-DNA position 2284, C replaced by T.
Protein change: p.Arg762Ter; replaces arginine 762 with a stop codon.
Molecular consequence: nonsense.
Genome position (GRCh38, 1-based): chr7:158,926,213, C>T. VCF-style: chr7-158926213-C-T. GRCh37 (hg19) VCF-style: chr7-158718904-C-T.
Other names: c.2146C>T, p.Arg716Ter (NM_001350914.2); c.1711C>T, p.Arg571Ter (NM_001350915.2); c.823C>T, p.Arg275Ter (NM_001350916.2); c.1036C>T, p.Arg346Ter (NM_001350917.2, NM_001350918.2); short protein forms R762*, R346*, R571*, R275*, R716*.
Identifiers: ClinVar variation 446629 (VCV000446629.11), dbSNP rs1456300819, ClinGen allele CA370181387.
Genomic context (GRCh38, chr7:158,926,213, plus strand): 5'-TTACACGTGGATGCTGTGGGCTTTTGAACTCCAGATGGAATCCTTACCTCAGTAAACCAC[C>T]GAAGCCCTCTTCAAGCAGTAGAACCTATCTCAACGTCCGTCCACAAAAAGCAGAGCTTTG-3'

ClinVar aggregate classification (germline): Pathogenic. Review status: criteria provided, multiple submitters, no conflicts (2 of 4 stars). 5 submissions from 5 submitters: Pathogenic (3). 2 of the submissions do not count toward it. Last evaluated 2025-10-23.

Conditions:
Short-rib thoracic dysplasia 8 with or without polydactyly (SRTD8). Also called: SHORT-RIB THORACIC DYSPLASIA 8 WITH POLYDACTYLY. Identifiers: Orphanet 93271, MedGen C3809691, MONDO:0014214, OMIM 615503.
Asphyxiating thoracic dystrophy 3. Also called: POLYDACTYLY WITH NEONATAL CHONDRODYSTROPHY, TYPE I; SHORT-RIB THORACIC DYSPLASIA 3/6 WITH POLYDACTYLY, DIGENIC; SHORT-RIB THORACIC DYSPLASIA 3 WITH OR WITHOUT POLYDACTYLY; Short rib polydactyly syndrome 2B; Saldino-Noonan Syndrome. Identifiers: Orphanet 474, Orphanet 93269, Orphanet 93270, Orphanet 93271, MedGen C0036069, MONDO:0013127, OMIM 613091.

Allele frequency attached by ClinVar (database versions not stated): gnomAD 0.00001 and 0.00002; TOPMed 0.00001.
gnomAD v4.1: 9 of 1,613,284 alleles (0.00056%); highest among the groups gnomAD compares: East Asian, 0.0022%; no homozygotes.

Submissions (5):

Labcorp Genetics (formerly Invitae), Labcorp
Classification: Pathogenic for Short-rib thoracic dysplasia 8 with or without polydactyly. Last evaluated: 2025-10-23. Review status: criteria provided, single submitter. Criteria: Invitae Variant Classification Sherloc (09022015). Collection method: clinical testing. Allele origin: germline.
Comment: This sequence change creates a premature translational stop signal (p.Arg762*) in the WDR60 gene. It is expected to result in an absent or disrupted protein product. Loss-of-function variants in WDR60 are known to be pathogenic (PMID: 9068549, 23910462). This variant is not present in population databases (gnomAD no frequency). This premature translational stop signal has been observed in individual(s) with short rib-polydactyly syndrome (PMID: 29068549). ClinVar contains an entry for this variant (Variation ID: 446629). For these reasons, this variant has been classified as Pathogenic.

CeGaT Center for Human Genetics Tuebingen
Classification: Pathogenic. Last evaluated: 2025-10-01. Review status: criteria provided, single submitter. Criteria: CeGaT Center For Human Genetics Tuebingen Variant Classification Criteria Version 2. Collection method: clinical testing. Allele origin: germline. Affected: yes. Observed: 1 variant allele.
Comment: DYNC2I1: PVS1, PM2, PM3

Women's Health and Genetics/Laboratory Corporation of America, LabCorp
Classification: Pathogenic for Short-rib thoracic dysplasia 8 with or without polydactyly. Last evaluated: 2024-07-16. Review status: criteria provided, single submitter. Criteria: LabCorp Variant Classification Summary - May 2015. Collection method: clinical testing. Allele origin: germline.
Comment: Variant summary: DYNC2I1 c.2284C>T (p.Arg762X) results in a premature termination codon, predicted to cause a truncation of the encoded protein or absence of the protein due to nonsense mediated decay, which are commonly known mechanisms for disease. The variant was absent in 248022 control chromosomes. To our knowledge, no occurrence of c.2284C>T in individuals affected with Short-Rib Thoracic Dysplasia 8 With Or Without Polydactyly and no experimental evidence demonstrating its impact on protein function have been reported. ClinVar contains an entry for this variant (Variation ID: 446629). Based on the evidence outlined above, the variant was classified as pathogenic.

Dan Cohn Lab, University Of California Los Angeles
Classification: Pathogenic for Asphyxiating thoracic dystrophy 3. Last evaluated: 2017-06-01. Review status: no assertion criteria provided. Collection method: research. Allele origin: maternal. Affected: yes. Not counted in ClinVar's aggregate classification.

University of Washington Center for Mendelian Genomics, University of Washington
Classification: Likely pathogenic for Asphyxiating thoracic dystrophy 3. Review status: no assertion criteria provided. Collection method: research. Allele origin: inherited. Affected: yes. Not counted in ClinVar's aggregate classification.

Literature cited by the submitters: PubMed 9068549 (cited by Labcorp Genetics (formerly Invitae), Labcorp); PubMed 23910462 (cited by Labcorp Genetics (formerly Invitae), Labcorp); PubMed 29068549 (cited by 3 submitters).